The following is an entry in ClinVar:

NM_001040142.2(SCN2A):c.1952A>G (p.Asn651Ser)

Gene: SCN2A (sodium voltage-gated channel alpha subunit 2; plus strand). Cytogenetic location: 2q24.3.
Variant type: single nucleotide variant.
Coding change: c.1952A>G on transcript NM_001040142.2 (MANE Select); coding-DNA position 1952, A replaced by G.
Protein change: p.Asn651Ser; replaces asparagine 651 with serine.
Molecular consequence: missense variant.
Genome position (GRCh38, 1-based): chr2:165,323,436, A>G. VCF-style: chr2-165323436-A-G. GRCh37 (hg19) VCF-style: chr2-166179946-A-G.
Other names: c.1952A>G, p.Asn651Ser (NM_001040143.2, NM_001371246.1, NM_001371247.1 and 1 more transcripts); short protein forms N651S.
Identifiers: ClinVar variation 3774166 (VCV003774166.1).
Genomic context (GRCh38, chr2:165,323,436, plus strand): 5'-CCTCCAGGGTGCTCCCCATCCTGCCCATGAATGGGAAGATGCATAGCGCTGTGGACTGCA[A>G]TGGTGTGGTCTCCCTGGTCGGGGGCCCTTCTACCCTCACATCTGCTGGGCAGCTCCTACC-3'
Protein context (NP_001035232.1, residues 641-661): NGKMHSAVDC[Asn651Ser]GVVSLVGGPS

ClinVar aggregate classification (germline): Uncertain significance (1 of 4 stars; one submission).

gnomAD v4.1: 1 of 1,613,994 alleles (0.000062%); highest among the groups gnomAD compares: East Asian, 0.0022%; no homozygotes.

Submission:

GeneDx
Classification: Uncertain significance. Last evaluated: 2024-09-19. Review status: criteria provided, single submitter. Criteria: GeneDx Variant Classification Process June 2021. Collection method: clinical testing. Allele origin: germline. Affected: yes.
Comment: Not observed at significant frequency in large population cohorts (gnomAD); In silico analysis supports that this missense variant has a deleterious effect on protein structure/function; Has not been previously published as pathogenic or benign to our knowledge; This substitution is predicted to be in the cytoplasmic loop between the first and second homologous domains